The following is an entry in ClinVar:

NM_032977.4(CASP10):c.1438C>T (p.Leu480Phe)

Gene: CASP10 (caspase 10; plus strand). Cytogenetic location: 2q33.1.
Variant type: single nucleotide variant.
Coding change: c.1438C>T on transcript NM_032977.4 (MANE Select); coding-DNA position 1438, C replaced by T.
Protein change: p.Leu480Phe; replaces leucine 480 with phenylalanine.
Molecular consequence: missense variant. On other transcripts: 3 prime UTR variant (1), intron variant (2).
Genome position (GRCh38, 1-based): chr2:201,217,610, C>T. VCF-style: chr2-201217610-C-T. GRCh37 (hg19) VCF-style: chr2-202082333-C-T.
Other names: c.1237C>T, p.Leu413Phe (NM_001206524.2); c.1309C>T, p.Leu437Phe (NM_001230.5); c.*524C>T (NM_032976.4); c.1415+8048C>T (NM_032974.5); c.1286+8048C>T (NM_001206542.2); short protein forms L437F, L413F, L480F.
Identifiers: ClinVar variation 2932965 (VCV002932965.3), dbSNP rs1945612895, ClinGen allele CA350296561.

ClinVar aggregate classification (germline): Uncertain significance (1 of 4 stars; one submission).

Conditions:
Autoimmune lymphoproliferative syndrome type 2A (ALPS2A). Also called: CASP10-Related Autoimmune Lymphoproliferative Syndrome; AUTOIMMUNE LYMPHOPROLIFERATIVE SYNDROME, TYPE IIA; Autoimmune lymphoproliferative syndrome type 2. Identifiers: Orphanet 3261, MedGen C1858968, MONDO:0011383, OMIM 603909.

Allele frequency attached by ClinVar (database versions not stated): gnomAD exomes below 0.00001; TOPMed below 0.00001.
gnomAD v4.1: 4 of 1,613,938 alleles (0.00025%); highest among the groups gnomAD compares: Non-Finnish European, 0.00034%; no homozygotes.

Submission:

Labcorp Genetics (formerly Invitae), Labcorp
Classification: Uncertain significance for Autoimmune lymphoproliferative syndrome type 2A. Last evaluated: 2023-01-24. Review status: criteria provided, single submitter. Criteria: Invitae Variant Classification Sherloc (09022015). Collection method: clinical testing. Allele origin: germline.
Comment: This sequence change replaces leucine, which is neutral and non-polar, with phenylalanine, which is neutral and non-polar, at codon 480 of the CASP10 protein (p.Leu480Phe). This variant is not present in population databases (gnomAD no frequency). This variant has not been reported in the literature in individuals affected with CASP10-related conditions. Advanced modeling of protein sequence and biophysical properties (such as structural, functional, and spatial information, amino acid conservation, physicochemical variation, residue mobility, and thermodynamic stability) performed at Invitae indicates that this missense variant is expected to disrupt CASP10 protein function. In summary, the available evidence is currently insufficient to determine the role of this variant in disease. Therefore, it has been classified as a Variant of Uncertain Significance.